The following is an entry in ClinVar:

NM_016203.4(PRKAG2):c.482C>T (p.Ser161Phe)

Gene: PRKAG2 (protein kinase AMP-activated non-catalytic subunit gamma 2; minus strand). Cytogenetic location: 7q36.1.
Variant type: single nucleotide variant.
Coding change: c.482C>T on transcript NM_016203.4 (MANE Select); coding-DNA position 482, C replaced by T.
Protein change: p.Ser161Phe; replaces serine 161 with phenylalanine.
Molecular consequence: missense variant.
Genome position (GRCh38, 1-based): chr7:151,675,622, G>A on the plus strand (C>T on the coding strand, the complement: PRKAG2 is on the minus strand). VCF-style: chr7-151675622-G-A. GRCh37 (hg19) VCF-style: chr7-151372708-G-A.
Other names: c.110C>T, p.Ser37Phe (NM_001304527.2, NM_001363698.2); c.350C>T, p.Ser117Phe (NM_001040633.2); short protein forms S161F, S117F, S37F.
Identifiers: ClinVar variation 918272 (VCV000918272.7), dbSNP rs748557485, ClinGen allele CA057367.
Genomic context (GRCh38, chr7:151,675,622, plus strand): 5'-TTATAGGATTCCAGGGGAAACGTGTGCTGCTTGGTCACTTGGGTGGGTGTTGACGGAGAG[G>A]AGGAGAGGCCGGAGGCTGCAGAAGAAACACCAAGGACGGTCAGAGGTCCGGCTTCCAGGA-3'
Protein context (NP_057287.2, residues 151-171): SRSRKTSGLS[Ser161Phe]SPSTPTQVTK

ClinVar aggregate classification (germline): Uncertain significance. Review status: criteria provided, multiple submitters, no conflicts (2 of 4 stars). 3 submissions from 3 submitters: Uncertain significance (3). Last evaluated 2023-12-05.

Conditions:
Lethal congenital glycogen storage disease of heart. Also called: GLYCOGEN STORAGE DISEASE OF HEART; PHOSPHORYLASE KINASE DEFICIENCY OF HEART. Identifiers: Orphanet 439854, MedGen C1849813, MONDO:0009867, OMIM 261740.
Cardiomyopathy (CMYO). Also called: Cardiomyopathies. Identifiers: Orphanet 167848, MedGen C0878544, MONDO:0004994, HP:0001638. Inheritance: Various modes of inheritance.
Hypertrophic cardiomyopathy. Also called: HYPERTROPHIC MYOCARDIOPATHY. Identifiers: Orphanet 217569, MedGen C0007194, MeSH D002312, MONDO:0005045, HP:0001639.

Allele frequency attached by ClinVar (database versions not stated): gnomAD exomes 0.00001; ExAC 0.00002.
gnomAD v4.1: 3 of 1,613,784 alleles (0.00019%); highest among the groups gnomAD compares: Non-Finnish European, 0.00025%; no homozygotes.

Submissions (3):

Color Diagnostics, LLC DBA Color Health
Classification: Uncertain significance for Cardiomyopathy. Last evaluated: 2023-12-05. Review status: criteria provided, single submitter. Criteria: ACMG Guidelines, 2015. Collection method: clinical testing. Allele origin: germline.
Comment: This missense variant replaces serine with phenylalanine at codon 161 of the PRKAG2 protein. Computational prediction tools and conservation analyses are inconclusive regarding the impact of this variant on the protein function. Computational splicing tools suggest that this variant may not impact RNA splicing. To our knowledge, functional assays have not been performed for this variant nor has this variant been reported in individuals affected with cardiovascular disorders in the literature. This variant has been identified in 2/251418 chromosomes in the general population by the Genome Aggregation Database (gnomAD). Available evidence is insufficient to determine the role of this variant in disease conclusively. Therefore, this variant is classified as a Variant of Uncertain Significance.

All of Us Research Program, National Institutes of Health
Classification: Uncertain significance for Hypertrophic cardiomyopathy. Last evaluated: 2023-06-28. Review status: criteria provided, single submitter. Criteria: ACMG Guidelines, 2015. Collection method: clinical testing. Allele origin: germline. Inheritance: Autosomal dominant inheritance. Observed: 1 variant allele, 1 heterozygote.
Comment: This missense variant replaces serine with phenylalanine at codon 161 of the PRKAG2 protein. Computational prediction tools and conservation analyses are inconclusive regarding the impact of this variant on the protein function. Computational splicing tools suggest that this variant may not impact RNA splicing. To our knowledge, functional assays have not been performed for this variant nor has this variant been reported in individuals affected with cardiovascular disorders in the literature. This variant has been identified in 2/251418 chromosomes in the general population by the Genome Aggregation Database (gnomAD). Available evidence is insufficient to determine the role of this variant in disease conclusively. Therefore, this variant is classified as a Variant of Uncertain Significance.

This study involves interpretation of variants in research participants for the purpose of population health screening. Participant phenotype was not available at the time of variant classification. Additional details can be found in publication PMID: 35346344, PMCID: PMC8962531

Labcorp Genetics (formerly Invitae), Labcorp
Classification: Uncertain significance for Lethal congenital glycogen storage disease of heart. Last evaluated: 2021-12-24. Review status: criteria provided, single submitter. Criteria: Invitae Variant Classification Sherloc (09022015). Collection method: clinical testing. Allele origin: germline.
Comment: This sequence change replaces serine, which is neutral and polar, with phenylalanine, which is neutral and non-polar, at codon 161 of the PRKAG2 protein (p.Ser161Phe). This variant is present in population databases (rs748557485, gnomAD 0.002%). This variant has not been reported in the literature in individuals affected with PRKAG2-related conditions. ClinVar contains an entry for this variant (Variation ID: 918272). Algorithms developed to predict the effect of missense changes on protein structure and function are either unavailable or do not agree on the potential impact of this missense change (SIFT: "Deleterious"; PolyPhen-2: "Possibly Damaging"; Align-GVGD: "Class C0"). In summary, the available evidence is currently insufficient to determine the role of this variant in disease. Therefore, it has been classified as a Variant of Uncertain Significance.